The following is an entry in ClinVar:

NM_001352027.3(PHF21A):c.1788+7A>G

Gene: PHF21A (PHD finger protein 21A; minus strand). Cytogenetic location: 11p11.2.
Variant type: single nucleotide variant.
Coding change: c.1788+7A>G on transcript NM_001352027.3 (MANE Select); 7 bases into the intron after coding-DNA position 1788, A replaced by G.
Molecular consequence: intron variant.
Genome position (GRCh38, 1-based): chr11:45,935,629, T>C on the plus strand (A>G on the coding strand, the complement: PHF21A is on the minus strand). VCF-style: chr11-45935629-T-C. GRCh37 (hg19) VCF-style: chr11-45957180-T-C.
Other names: c.1644+7A>G (NM_001352030.3, NM_001352031.3, NM_001352032.3); c.1785+7A>G (NM_001101802.3); c.1788+7A>G (NM_001352026.3, NM_001352025.3); c.1647+7A>G (NM_016621.5, NM_001352028.1, NM_001352029.1).
Identifiers: ClinVar variation 3251004 (VCV003251004.18), dbSNP rs2495608674.

ClinVar aggregate classification (germline): Uncertain significance (1 of 4 stars; one submission).

Submission:

CeGaT Center for Human Genetics Tuebingen
Classification: Uncertain significance. Last evaluated: 2024-06-01. Review status: criteria provided, single submitter. Criteria: CeGaT Center For Human Genetics Tuebingen Variant Classification Criteria Version 2. Collection method: clinical testing. Allele origin: germline. Affected: yes. Observed: 1 variant allele.
Comment: PHF21A: PM2, BP4